The following is an entry in ClinVar:

ClinVar aggregate classification (germline): Uncertain significance. Review status: criteria provided, multiple submitters, no conflicts (2 of 4 stars). 5 submissions from 5 submitters: Uncertain significance (5). Last evaluated 2025-09-22.

Conditions:
Autosomal recessive ataxia, Beauce type. Also called: Spinocerebellar ataxia, autosomal recessive 8; ATAXIA, RECESSIVE, OF BEAUCE; SYNE1 Deficiency; SYNE1-Related Autosomal Recessive Cerebellar Ataxia. Identifiers: Orphanet 88644, MedGen C1853116, MONDO:0012549, OMIM 610743.
Emery-Dreifuss muscular dystrophy 4, autosomal dominant (EDMD4). Also called: EMERY-DREIFUSS MUSCULAR DYSTROPHY 4 WITH VARIABLE FEATURES. Identifiers: Orphanet 261, MedGen C2751807, MONDO:0013071, OMIM 612998.

Allele frequency attached by ClinVar (database versions not stated): gnomAD 0.00002 and 0.00003; TOPMed 0.00002; gnomAD exomes 0.00003; ExAC 0.00007; 1000 Genomes Project 30x 0.00016; 1000 Genomes Project 0.00020.
gnomAD v4.1: 47 of 1,614,124 alleles (0.0029%); highest among the groups gnomAD compares: Middle Eastern, 0.016%; no homozygotes.

Submissions (5):

Labcorp Genetics (formerly Invitae), Labcorp
Classification: Uncertain significance for Emery-Dreifuss muscular dystrophy 4, autosomal dominant; Autosomal recessive ataxia, Beauce type. Last evaluated: 2025-09-22. Review status: criteria provided, single submitter. Criteria: Invitae Variant Classification Sherloc (09022015). Collection method: clinical testing. Allele origin: germline.
Comment: This sequence change replaces aspartic acid, which is acidic and polar, with asparagine, which is neutral and polar, at codon 4149 of the SYNE1 protein (p.Asp4149Asn). This variant is present in population databases (rs201449723, gnomAD 0.03%). This variant has not been reported in the literature in individuals affected with SYNE1-related conditions. ClinVar contains an entry for this variant (Variation ID: 290340). An algorithm developed to predict the effect of missense changes on protein structure and function (PolyPhen-2) suggests that this variant is likely to be disruptive. In summary, the available evidence is currently insufficient to determine the role of this variant in disease. Therefore, it has been classified as a Variant of Uncertain Significance.

Athena Diagnostics
Classification: Uncertain significance. Last evaluated: 2024-06-11. Review status: criteria provided, single submitter. Criteria: Athena Diagnostics Criteria. Collection method: clinical testing. Allele origin: unknown.
Comment: Available data are insufficient to determine the clinical significance of the variant at this time. The frequency of this variant in the general population is uninformative in assessment of its pathogenicity. This variant has been seen where an alternate explanation for disease was also identified, suggesting this variant may not cause disease. Polyphen and MutationTaster yielded discordant predictions regarding whether this amino acid change is damaging to the protein.

Revvity Omics, Revvity
Classification: Uncertain significance. Last evaluated: 2024-03-27. Review status: criteria provided, single submitter. Criteria: ACMG Guidelines, 2015. Collection method: clinical testing. Allele origin: germline.

Genetic Services Laboratory, University of Chicago
Classification: Uncertain significance. Last evaluated: 2018-01-26. Review status: criteria provided, single submitter. Criteria: ACMG Guidelines, 2015. Collection method: clinical testing. Allele origin: germline. Affected: no.

Eurofins Ntd Llc (ga)
Classification: Uncertain significance. Last evaluated: 2016-08-21. Review status: criteria provided, single submitter. Criteria: EGL Classification Definitions 2015. Collection method: clinical testing. Allele origin: germline. Observed: 1 variant allele, 1 heterozygote.

NM_182961.4(SYNE1):c.12658G>A (p.Asp4220Asn)

Gene: SYNE1 (spectrin repeat containing nuclear envelope protein 1; minus strand). Cytogenetic location: 6q25.2.
Variant type: single nucleotide variant.
Coding change: c.12658G>A on transcript NM_182961.4 (MANE Select); coding-DNA position 12658, G replaced by A.
Protein change: p.Asp4220Asn; replaces aspartic acid 4220 with asparagine.
Molecular consequence: missense variant.
Genome position (GRCh38, 1-based): chr6:152,334,144, C>T on the plus strand (G>A on the coding strand, the complement: SYNE1 is on the minus strand). VCF-style: chr6-152334144-C-T. GRCh37 (hg19) VCF-style: chr6-152655279-C-T.
Other names: c.12445G>A (NM_033071.3); c.12445G>A, p.Asp4149Asn (NM_033071.5); c.12658G>A (NM_182961.2); short protein forms D4220N, D4149N.
Identifiers: ClinVar variation 290340 (VCV000290340.18), dbSNP rs201449723, ClinGen allele CA4056342.